The following is an entry in ClinVar:

NM_001364905.1(LRBA):c.4946A>G (p.Asn1649Ser)

Gene: LRBA (LPS responsive beige-like anchor protein; minus strand). Cytogenetic location: 4q31.3.
Variant type: single nucleotide variant.
Coding change: c.4946A>G on transcript NM_001364905.1 (MANE Select); coding-DNA position 4946, A replaced by G.
Protein change: p.Asn1649Ser; replaces asparagine 1649 with serine.
Molecular consequence: missense variant.
Genome position (GRCh38, 1-based): chr4:150,828,405, T>C on the plus strand (A>G on the coding strand, the complement: LRBA is on the minus strand). VCF-style: chr4-150828405-T-C. GRCh37 (hg19) VCF-style: chr4-151749557-T-C.
Other names: c.4946A>G, p.Asn1649Ser (NM_001199282.3, NM_001367550.1, NM_006726.5); short protein forms N1649S.
Identifiers: ClinVar variation 575430 (VCV000575430.6), dbSNP rs373049835, ClinGen allele CA3102619.

ClinVar aggregate classification (germline): Uncertain significance (1 of 4 stars; one submission).

Conditions:
Combined immunodeficiency due to LRBA deficiency. Also called: Common variable immunodeficiency 8, with autoimmunity. Identifiers: Orphanet 445018, MedGen C3553512, MONDO:0013863, OMIM 614700.

Allele frequency attached by ClinVar (database versions not stated): ExAC 0.00004; gnomAD exomes 0.00004 and 0.00003; gnomAD 0.00006; TOPMed 0.00006; ESP Exome Variant Server 0.00008.
gnomAD v4.1: 67 of 1,613,992 alleles (0.0042%); highest among the groups gnomAD compares: Middle Eastern, 0.033%; no homozygotes.

Submission:

Labcorp Genetics (formerly Invitae), Labcorp
Classification: Uncertain significance for Combined immunodeficiency due to LRBA deficiency. Last evaluated: 2022-07-19. Review status: criteria provided, single submitter. Criteria: Invitae Variant Classification Sherloc (09022015). Collection method: clinical testing. Allele origin: germline.
Comment: This sequence change replaces asparagine, which is neutral and polar, with serine, which is neutral and polar, at codon 1649 of the LRBA protein (p.Asn1649Ser). This variant is present in population databases (rs373049835, gnomAD 0.009%). This variant has not been reported in the literature in individuals affected with LRBA-related conditions. ClinVar contains an entry for this variant (Variation ID: 575430). Algorithms developed to predict the effect of missense changes on protein structure and function output the following: SIFT: "Tolerated"; PolyPhen-2: "Benign"; Align-GVGD: "Class C0". The serine amino acid residue is found in multiple mammalian species, which suggests that this missense change does not adversely affect protein function. Algorithms developed to predict the effect of sequence changes on RNA splicing suggest that this variant may create or strengthen a splice site. In summary, the available evidence is currently insufficient to determine the role of this variant in disease. Therefore, it has been classified as a Variant of Uncertain Significance.